The following is an entry in ClinVar:

ClinVar aggregate classification (germline): Uncertain significance (1 of 4 stars; one submission).

Conditions:
Fanconi anemia complementation group O. Also called: RAD51C-Related Fanconi Anemia. Identifiers: Orphanet 84, MedGen C3150653, MONDO:0013248, OMIM 613390.

gnomAD v4.1: 1 of 1,614,090 alleles (0.000062%); highest among the groups gnomAD compares: South Asian, 0.0011%; no homozygotes.

Submission:

Labcorp Genetics (formerly Invitae), Labcorp
Classification: Uncertain significance for Fanconi anemia complementation group O. Last evaluated: 2022-03-16. Review status: criteria provided, single submitter. Criteria: Invitae Variant Classification Sherloc (09022015). Collection method: clinical testing. Allele origin: germline.
Comment: In summary, the available evidence is currently insufficient to determine the role of this variant in disease. Therefore, it has been classified as a Variant of Uncertain Significance. Algorithms developed to predict the effect of missense changes on protein structure and function output the following: SIFT: "Deleterious"; PolyPhen-2: "Benign"; Align-GVGD: "Class C0". The valine amino acid residue is found in multiple mammalian species, which suggests that this missense change does not adversely affect protein function. This variant has not been reported in the literature in individuals affected with RAD51C-related conditions. This variant is present in population databases (rs752817595, gnomAD 0.003%). This sequence change replaces leucine, which is neutral and non-polar, with valine, which is neutral and non-polar, at codon 107 of the RAD51C protein (p.Leu107Val).

NM_058216.3(RAD51C):c.319C>G (p.Leu107Val)

Gene: RAD51C (RAD51 paralog C; plus strand). Cytogenetic location: 17q22.
Variant type: single nucleotide variant.
Coding change: c.319C>G on transcript NM_058216.3 (MANE Select); coding-DNA position 319, C replaced by G.
Protein change: p.Leu107Val; replaces leucine 107 with valine.
Molecular consequence: missense variant. On other transcripts: non-coding transcript variant (2).
Genome position (GRCh38, 1-based): chr17:58,695,104, C>G. VCF-style: chr17-58695104-C-G. GRCh37 (hg19) VCF-style: chr17-56772465-C-G.
Other names: c.319C>G, p.Leu107Val (NM_002876.4, NM_058217.1); short protein forms L107V.
Identifiers: ClinVar variation 2112905 (VCV002112905.4), dbSNP rs752817595, ClinGen allele CA8677196.